The following is an entry in ClinVar:

ClinVar aggregate classification (germline): Uncertain significance (0 of 4 stars; one submission).

Allele frequency attached by ClinVar (database versions not stated): TOPMed below 0.00001; gnomAD exomes 0.00001.
gnomAD v4.1: 4 of 1,611,648 alleles (0.00025%); highest among the groups gnomAD compares: South Asian, 0.0022%; no homozygotes.

Submission:

Genetic Services Laboratory, University of Chicago
Classification: Uncertain significance. Last evaluated: 2022-06-01. Review status: no assertion criteria provided. Collection method: clinical testing. Allele origin: germline. Affected: no.
Comment: DNA sequence analysis of the IFT74 gene demonstrated a sequence change, c.845A>G, in exon 11 that results in an amino acid change, p.Tyr282Cys. This sequence change has been described in the gnomAD database in one individual (dbSNP rs1362492938). The p.Tyr282Cys change affects a poorly conserved amino acid residue located in a domain of the IFT74 protein that is not known to be functional. In-silico pathogenicity prediction tools (SIFT, PolyPhen2, Align GVGD, REVEL) provide contradictory results for the p.Tyr282Cys substitution. This sequence change does not appear to have been previously described in individuals with IFT74-related disorders. Due to insufficient evidences and the lack of functional studies, the clinical significance of the p.Tyr282Cys change remains unknown at this time.

NM_025103.4(IFT74):c.845A>G (p.Tyr282Cys)

Gene: IFT74 (intraflagellar transport 74; plus strand). Cytogenetic location: 9p21.2.
Variant type: single nucleotide variant.
Coding change: c.845A>G on transcript NM_025103.4 (MANE Select); coding-DNA position 845, A replaced by G.
Protein change: p.Tyr282Cys; replaces tyrosine 282 with cysteine.
Molecular consequence: missense variant.
Genome position (GRCh38, 1-based): chr9:27,016,962, A>G. VCF-style: chr9-27016962-A-G. GRCh37 (hg19) VCF-style: chr9-27016960-A-G.
Other names: c.845A>G, p.Tyr282Cys (NM_001099222.3, NM_001099223.3, NM_001099224.3 and 1 more transcripts); short protein forms Y282C.
Identifiers: ClinVar variation 2443146 (VCV002443146.2), dbSNP rs1362492938, ClinGen allele CA373119527.